The following is an entry in ClinVar:

ClinVar aggregate classification (germline): Uncertain significance (1 of 4 stars; one submission).

Conditions:
Intellectual developmental disorder, autosomal dominant 1. Also called: Intellectual disability, autosomal dominant 1; MBD5 Haploinsufficiency. Identifiers: Orphanet 228402, MedGen C1969562, MONDO:0007974, OMIM 156200.

Allele frequency attached by ClinVar (database versions not stated): gnomAD exomes below 0.00001.
gnomAD v4.1: 1 of 1,614,148 alleles (0.000062%); highest among the groups gnomAD compares: African/African-American, 0.0013%; no homozygotes.

Submission:

Labcorp Genetics (formerly Invitae), Labcorp
Classification: Uncertain significance for Intellectual developmental disorder, autosomal dominant 1. Last evaluated: 2023-08-31. Review status: criteria provided, single submitter. Criteria: Invitae Variant Classification Sherloc (09022015). Collection method: clinical testing. Allele origin: germline.
Comment: In summary, the available evidence is currently insufficient to determine the role of this variant in disease. Therefore, it has been classified as a Variant of Uncertain Significance. Advanced modeling of protein sequence and biophysical properties (such as structural, functional, and spatial information, amino acid conservation, physicochemical variation, residue mobility, and thermodynamic stability) performed at Invitae indicates that this missense variant is not expected to disrupt MBD5 protein function. ClinVar contains an entry for this variant (Variation ID: 850648). This variant has not been reported in the literature in individuals affected with MBD5-related conditions. This variant is not present in population databases (gnomAD no frequency). This sequence change replaces glutamine, which is neutral and polar, with histidine, which is basic and polar, at codon 1101 of the MBD5 protein (p.Gln1101His).

NM_001378120.1(MBD5):c.4002G>T (p.Gln1334His)

Gene: MBD5 (methyl-CpG binding domain protein 5; plus strand). Cytogenetic location: 2q23.1.
Variant type: single nucleotide variant.
Coding change: c.4002G>T on transcript NM_001378120.1 (MANE Select); coding-DNA position 4002, G replaced by T.
Protein change: p.Gln1334His; replaces glutamine 1334 with histidine.
Molecular consequence: missense variant.
Genome position (GRCh38, 1-based): chr2:148,489,634, G>T. VCF-style: chr2-148489634-G-T. GRCh37 (hg19) VCF-style: chr2-149247203-G-T.
Other names: c.3303G>T, p.Gln1101His (NM_018328.5); short protein forms Q1334H, Q1101H.
Identifiers: ClinVar variation 850648 (VCV000850648.8), dbSNP rs1681454577, ClinGen allele CA348727757.
Genomic context (GRCh38, chr2:148,489,634, plus strand): 5'-TGATGCTTCCGTAGATGCCATTTACAAAGCAGTTGTCGATGCAGCCAGCAAAGGAATGCA[G>T]GTTGTCATCACCACTGCAGTCAACAGTACAACTCAGATCAGCCCCATTCCAGCTCTGAGT-3'
Protein context (NP_001365049.1, residues 1324-1344): AVVDAASKGM[Gln1334His]VVITTAVNST